The following is an entry in ClinVar:

ClinVar aggregate classification (germline): Uncertain significance (1 of 4 stars; one submission).

Conditions:
Joubert syndrome. Also called: CEREBELLOPARENCHYMAL DISORDER IV; JOUBERT-BOLTSHAUSER SYNDROME; Familial aplasia of the vermis. Identifiers: Orphanet 475, MedGen C5979921, MONDO:0018772.

Allele frequency attached by ClinVar (database versions not stated): gnomAD exomes below 0.00001.
gnomAD v4.1: 2 of 1,606,460 alleles (0.00012%); highest among the groups gnomAD compares: Middle Eastern, 0.017%; no homozygotes.

Submission:

Labcorp Genetics (formerly Invitae), Labcorp
Classification: Uncertain significance for Joubert syndrome. Last evaluated: 2022-05-04. Review status: criteria provided, single submitter. Criteria: Invitae Variant Classification Sherloc (09022015). Collection method: clinical testing. Allele origin: germline.
Comment: This sequence change replaces valine, which is neutral and non-polar, with leucine, which is neutral and non-polar, at codon 989 of the AHI1 protein (p.Val989Leu). This variant is not present in population databases (gnomAD no frequency). This variant has not been reported in the literature in individuals affected with AHI1-related conditions. Advanced modeling of protein sequence and biophysical properties (such as structural, functional, and spatial information, amino acid conservation, physicochemical variation, residue mobility, and thermodynamic stability) performed at Invitae indicates that this missense variant is not expected to disrupt AHI1 protein function. In summary, the available evidence is currently insufficient to determine the role of this variant in disease. Therefore, it has been classified as a Variant of Uncertain Significance.

NM_001134831.2(AHI1):c.2965G>T (p.Val989Leu)

Gene: AHI1 (Abelson helper integration site 1; minus strand). Cytogenetic location: 6q23.3.
Variant type: single nucleotide variant.
Coding change: c.2965G>T on transcript NM_001134831.2 (MANE Select); coding-DNA position 2965, G replaced by T.
Protein change: p.Val989Leu; replaces valine 989 with leucine.
Molecular consequence: missense variant.
Genome position (GRCh38, 1-based): chr6:135,404,974, C>A on the plus strand (G>T on the coding strand, the complement: AHI1 is on the minus strand). VCF-style: chr6-135404974-C-A. GRCh37 (hg19) VCF-style: chr6-135726112-C-A.
Other names: c.2965G>T, p.Val989Leu (NM_001134830.2, NM_001134832.2, NM_001350503.2 and 2 more transcripts); short protein forms V989L.
Identifiers: ClinVar variation 2413910 (VCV002413910.2), dbSNP rs2484181538, ClinGen allele CA365844908.
Genomic context (GRCh38, chr6:135,404,974, plus strand): 5'-CTTTGAAGTTATCTTCCTGGTAATAAAAACTACTTACTTTTGCAGCACAGGAACGTATCA[C>A]CTCCTAAAAGAAATACAATAAAATAAGGAAGTATTCATAATTTCATTAAATATTGACTGT-3'
Protein context (NP_001128303.1, residues 979-999): VKQRLETVTE[Val989Leu]IRSCAAKVNK